The following is an entry in ClinVar:

ClinVar aggregate classification (germline): Pathogenic (1 of 4 stars; one submission).

Submission:

Labcorp Genetics (formerly Invitae), Labcorp
Classification: Pathogenic. Last evaluated: 2025-09-10. Review status: criteria provided, single submitter. Criteria: Invitae Variant Classification Sherloc (09022015). Collection method: clinical testing. Allele origin: germline.
Comment: This sequence change creates a premature translational stop signal (p.Lys349Serfs*20) in the PRKN gene. It is expected to result in an absent or disrupted protein product. Loss-of-function variants in PRKN are known to be pathogenic (PMID: 10072423, 20301651, 22956510). This variant is not present in population databases (gnomAD no frequency). This variant has not been reported in the literature in individuals affected with PRKN-related conditions. ClinVar contains an entry for this variant (Variation ID: 2756740). For these reasons, this variant has been classified as Pathogenic.

Literature cited by the submitters: PubMed 10072423; PubMed 20301651; PubMed 22956510.

NM_004562.3(PRKN):c.1046_1047del (p.Lys349fs)

Gene: PRKN (parkin RBR E3 ubiquitin protein ligase; minus strand). Cytogenetic location: 6q26.
Variant type: Deletion.
Coding change: c.1046_1047del on transcript NM_004562.3 (MANE Select); coding-DNA positions 1046 to 1047, 2 bases deleted (AA; older notation c.1046_1047delAA).
Protein change: p.Lys349fs; shifts the reading frame from lysine 349.
Molecular consequence: frameshift variant.
Genome position (GRCh38, 1-based): chr6:161,548,890-161,548,891, TT deleted on the plus strand (AA on the coding strand, the reverse complement: PRKN is on the minus strand); deleting any 2 consecutive bases within chr6:161,548,890-161,548,892 gives the same sequence; the c. name uses the placement nearest the transcript's 3' end. VCF-style (leftmost placement, unchanged base first): chr6-161548889-CTT-C. GRCh37 (hg19) VCF-style: chr6-161969921-CTT-C.
Other names: c.962_963del, p.Lys321fs (NM_013987.3); c.599_600del, p.Lys200fs (NM_013988.3); short protein forms K200fs, K349fs, K321fs.
Identifiers: ClinVar variation 2756740 (VCV002756740.3), dbSNP rs2483963312, ClinGen allele CA2695207362.
Genomic context (GRCh38, chr6:161,548,889, plus strand): 5'-CTCCAGGGGTGTGGGCAGTACTCACCCCACAGCCCAGGCCATTGCCCCCTTCGCAGGTGA[CTT>C]TCCTCTGGTCAGGCTCCGGCAGCAGCCCCGCTCCACAGCCAGGGCGGGGGCATAACACGC-3'